The following is an entry in ClinVar:

ClinVar aggregate classification (germline): Uncertain significance. Review status: criteria provided, multiple submitters, no conflicts (2 of 4 stars). 5 submissions from 5 submitters: Uncertain significance (5). Last evaluated 2024-12-29.

Conditions:
Autosomal recessive nonsyndromic hearing loss 97. Also called: Deafness, autosomal recessive 97. Identifiers: Orphanet 90636, MedGen C4084709, MONDO:0014739, OMIM 616705.
Renal cell carcinoma. Identifiers: Orphanet 217071, MedGen C0007134, MeSH D002292, MONDO:0005086, HP:0005584.
Hereditary cancer-predisposing syndrome. Also called: Tumor predisposition; Hereditary Cancer Syndrome; Hereditary neoplastic syndrome; Neoplastic Syndromes, Hereditary. Identifiers: Orphanet 140162, MedGen C0027672, MeSH D009386, MONDO:0015356.
Papillary renal cell carcinoma type 1 (RCCP1). Also called: RENAL CELL CARCINOMA, PAPILLARY, 1, SOMATIC; Renal adenocarcinoma; Renal cell carcinoma 1; Renal cell carcinoma, somatic. Identifiers: Orphanet 47044, MedGen C1336839, OMIM 605074, HP:0011797.

Allele frequency attached by ClinVar (database versions not stated): gnomAD exomes below 0.00001 and 0.00001; TOPMed below 0.00001; ExAC 0.00001; gnomAD 0.00003.
gnomAD v4.1: 20 of 1,613,718 alleles (0.0012%); highest among the groups gnomAD compares: Admixed American, 0.0033%; no homozygotes.

Submissions (5):

Labcorp Genetics (formerly Invitae), Labcorp
Classification: Uncertain significance for Renal cell carcinoma. Last evaluated: 2024-12-29. Review status: criteria provided, single submitter. Criteria: Invitae Variant Classification Sherloc (09022015). Collection method: clinical testing. Allele origin: germline.
Comment: This sequence change replaces methionine, which is neutral and non-polar, with isoleucine, which is neutral and non-polar, at codon 793 of the MET protein (p.Met793Ile). This variant is present in population databases (rs748086754, gnomAD 0.003%). This variant has not been reported in the literature in individuals affected with MET-related conditions. ClinVar contains an entry for this variant (Variation ID: 411881). Invitae Evidence Modeling of protein sequence and biophysical properties (such as structural, functional, and spatial information, amino acid conservation, physicochemical variation, residue mobility, and thermodynamic stability) indicates that this missense variant is not expected to disrupt MET protein function with a negative predictive value of 80%. In summary, the available evidence is currently insufficient to determine the role of this variant in disease. Therefore, it has been classified as a Variant of Uncertain Significance.

St. Jude Molecular Pathology, St. Jude Children's Research Hospital
Classification: Uncertain significance for Papillary renal cell carcinoma type 1. Last evaluated: 2024-12-28. Review status: criteria provided, single submitter. Criteria: St. Jude Assertion Criteria 2020. Collection method: clinical testing. Allele origin: germline.
Comment: The MET c.2379G>T (p.Met793Ile) missense change has a maximum subpopulation frequency of 0.006% in gnomAD v2.1.1. The in silico tool REVEL predicts a benign effect on protein function, but to our knowledge this prediction has not been confirmed by functional studies. To our knowledge, this variant has not been reported in individuals with hereditary papillary renal cell carcinoma. In summary, the evidence currently available is insufficient to determine the clinical significance of this variant. It has therefore been classified as of uncertain significance.

Ambry Genetics
Classification: Uncertain significance for Hereditary cancer-predisposing syndrome. Last evaluated: 2024-08-09. Review status: criteria provided, single submitter. Criteria: Ambry Variant Classification Scheme 2023. Collection method: clinical testing. Allele origin: germline.
Comment: The p.M793I variant (also known as c.2379G>T), located in coding exon 9 of the MET gene, results from a G to T substitution at nucleotide position 2379. The methionine at codon 793 is replaced by isoleucine, an amino acid with highly similar properties. This amino acid position is well conserved in available vertebrate species. In addition, this alteration is predicted to be tolerated by in silico analysis. Based on the available evidence, the clinical significance of this variant remains unclear.

Baylor Genetics
Classification: Uncertain significance for Autosomal recessive nonsyndromic hearing loss 97. Last evaluated: 2024-02-28. Review status: criteria provided, single submitter. Criteria: ACMG Guidelines, 2015. Collection method: clinical testing. Allele origin: unknown.

GeneDx
Classification: Uncertain significance. Last evaluated: 2021-07-01. Review status: criteria provided, single submitter. Criteria: GeneDx Variant Classification Process June 2021. Collection method: clinical testing. Allele origin: germline. Affected: yes.
Comment: Not observed at significant frequency in large population cohorts (Lek et al., 2016); In silico analysis supports that this missense variant does not alter protein structure/function; Has not been previously published as pathogenic or benign to our knowledge; This variant is associated with the following publications: (PMID: 27535533)

NM_000245.4(MET):c.2325G>T (p.Met775Ile)

Gene: MET (MET proto-oncogene, receptor tyrosine kinase; plus strand). Cytogenetic location: 7q31.2.
Variant type: single nucleotide variant.
Coding change: c.2325G>T on transcript NM_000245.4 (MANE Select); coding-DNA position 2325, G replaced by T.
Protein change: p.Met775Ile; replaces methionine 775 with isoleucine.
Molecular consequence: missense variant.
Genome position (GRCh38, 1-based): chr7:116,759,451, G>T. VCF-style: chr7-116759451-G-T. GRCh37 (hg19) VCF-style: chr7-116399505-G-T.
Other names: c.2379G>T, p.Met793Ile (NM_001127500.3); c.2325G>T, p.Met775Ile (NM_001324401.3); c.1035G>T, p.Met345Ile (NM_001324402.2); short protein forms M793I, M345I, M775I.
Identifiers: ClinVar variation 411881 (VCV000411881.14), dbSNP rs748086754, ClinGen allele CA4448452.